The following is an entry in ClinVar:

ClinVar aggregate classification (germline): Uncertain significance (1 of 4 stars; one submission).

Conditions:
Familial thoracic aortic aneurysm and aortic dissection (TAAD). Also called: Thoracic aortic aneurysms and dissections. Identifiers: Orphanet 91387, MedGen C4707243, MONDO:0019625.

gnomAD v4.1: 2 of 1,614,196 alleles (0.00012%); highest among the groups gnomAD compares: Non-Finnish European, 0.00017%; no homozygotes.

Submission:

Labcorp Genetics (formerly Invitae), Labcorp
Classification: Uncertain significance for Familial thoracic aortic aneurysm and aortic dissection. Last evaluated: 2024-02-04. Review status: criteria provided, single submitter. Criteria: Invitae Variant Classification Sherloc (09022015). Collection method: clinical testing. Allele origin: germline.
Comment: This sequence change replaces isoleucine, which is neutral and non-polar, with methionine, which is neutral and non-polar, at codon 372 of the SMAD3 protein (p.Ile372Met). This variant is not present in population databases (gnomAD no frequency). This missense change has been observed in individuals with clinical features of SMAD3-related conditions (PMID: 29543232; Invitae). Advanced modeling of protein sequence and biophysical properties (such as structural, functional, and spatial information, amino acid conservation, physicochemical variation, residue mobility, and thermodynamic stability) performed at Invitae indicates that this missense variant is expected to disrupt SMAD3 protein function with a positive predictive value of 80%. In summary, the available evidence is currently insufficient to determine the role of this variant in disease. Therefore, it has been classified as a Variant of Uncertain Significance.

Literature cited by the submitters: PubMed 29543232.

NM_005902.4(SMAD3):c.1116C>G (p.Ile372Met)

Gene: SMAD3 (SMAD family member 3; plus strand). Cytogenetic location: 15q22.33.
Variant type: single nucleotide variant.
Coding change: c.1116C>G on transcript NM_005902.4 (MANE Select); coding-DNA position 1116, C replaced by G.
Protein change: p.Ile372Met; replaces isoleucine 372 with methionine.
Molecular consequence: missense variant.
Genome position (GRCh38, 1-based): chr15:67,187,471, C>G. VCF-style: chr15-67187471-C-G. GRCh37 (hg19) VCF-style: chr15-67479809-C-G.
Other names: c.801C>G, p.Ile267Met (NM_001145102.2, NM_001407016.1); c.984C>G, p.Ile328Met (NM_001145103.2, NM_001407012.1); c.531C>G, p.Ile177Met (NM_001145104.2, NM_001407017.1); c.1227C>G, p.Ile409Met (NM_001407011.1); c.978C>G, p.Ile326Met (NM_001407013.1); c.969C>G, p.Ile323Met (NM_001407014.1); c.669C>G, p.Ile223Met (NM_001407015.1); short protein forms I328M, I409M, I223M, I267M, I326M, I323M, I177M, I372M.
Identifiers: ClinVar variation 3706398 (VCV003706398.2).
Genomic context (GRCh38, chr15:67,187,471, plus strand): 5'-GGCCCAGTCGGTCAACCAGGGCTTTGAGGCTGTCTACCAGTTGACCCGAATGTGCACCAT[C>G]CGCATGAGCTTCGTCAAAGGCTGGGGAGCGGAGTACAGGTCAGTTATGGGTGCTGCCTAC-3'
Protein context (NP_005893.1, residues 362-382): AVYQLTRMCT[Ile372Met]RMSFVKGWGA